The following is an entry in ClinVar:

ClinVar aggregate classification (germline): Benign. Review status: reviewed by expert panel (3 of 4 stars). 16 submissions from 16 submitters: Benign (1). 15 of the submissions do not count toward it. Last evaluated 2021-05-07.

Conditions:
POLG-related disorder. Also called: POLG-Related Spectrum Disorders; POLG-related condition; POLG-Related Disorders. Identifiers: MedGen C4763519.
Inborn genetic diseases. Identifiers: MedGen C0950123, MeSH D030342.
Mitochondrial disease. Also called: Mitochondrial disorder; Mitochondrial disorders. Identifiers: Orphanet 68380, MedGen C0751651, MeSH D028361, MONDO:0044970.
Hereditary spastic paraplegia. Also called: Familial spastic paraparesis. Identifiers: Orphanet 685, MedGen C0037773, MONDO:0019064. Disease mechanism: loss of function.
Progressive sclerosing poliodystrophy (MTDPS4A). Also called: NEURONAL DEGENERATION OF CHILDHOOD WITH LIVER DISEASE, PROGRESSIVE; ALPERS DIFFUSE DEGENERATION OF CEREBRAL GRAY MATTER WITH HEPATIC CIRRHOSIS; Alpers-Huttenlocher Syndrome; ALPERS PROGRESSIVE INFANTILE POLIODYSTROPHY; Alpers-Huttenlocher Syndrome (AHS); Alpers Syndrome. Identifiers: Orphanet 726, MedGen C0205710, MONDO:0008758, OMIM 203700.

Allele frequency attached by ClinVar (database versions not stated): ESP Exome Variant Server 0.00069; gnomAD 0.00547 and 0.00563; gnomAD exomes 0.01014; 1000 Genomes Project 30x 0.00921; 1000 Genomes Project 0.00899; ExAC 0.00715; TOPMed 0.00865.
gnomAD v4.1: 4,413 of 1,613,554 alleles (0.27%); highest among the groups gnomAD compares: Admixed American, 6.5%; 166 homozygotes.

Submissions (16):

ClinGen Mitochondrial Disease Nuclear and Mitochondrial  Variant Curation Expert Panel, ClinGen
Classification: Benign for Mitochondrial disease. Last evaluated: 2021-05-07. Review status: reviewed by expert panel. Criteria: clingen mito disease acmg specifications v1-1. Collection method: curation. Allele origin: germline. Inheritance: Autosomal recessive inheritance.
Comment: The c.1984G>A (p.Glu662Lys) variant in POLG has been reported with an allele frequency in the population databases: 0.9 % in gnomAD and in the Latino population at 7% (BA1). It is also seen in the homozygous state in 112 individuals in gnomAD and 42 in ExAC (BS2). In summary, this variant meets criteria to be classified as benign for primary mitochondrial disease inherited in a recessive manner. ntDNA Mitochondrial ACMG-AMP Criteria for POLG applied: BA1 & BS2.

Labcorp Genetics (formerly Invitae), Labcorp
Classification: Benign for Progressive sclerosing poliodystrophy. Last evaluated: 2026-02-03. Review status: criteria provided, single submitter. Criteria: Invitae Variant Classification Sherloc (09022015). Collection method: clinical testing. Allele origin: germline. Not counted in ClinVar's aggregate classification.

Dasa
Classification: Benign. Last evaluated: 2025-11-19. Review status: criteria provided, single submitter. Criteria: DASA Assertion Criteria. Collection method: clinical testing. Allele origin: germline. Not counted in ClinVar's aggregate classification.
Comment: NM_002693.3(POLG):c.1984G>A (p.Glu662Lys) is a missense variant that results in the substitution of glutamic acid with lysine. Population frequency is inconsistent with a disease-causing role for this variant, and observations in unaffected individuals support a benign interpretation. Therefore, based on the currently available evidence, this variant is classified as benign.

ARUP Laboratories, Molecular Genetics and Genomics, ARUP Laboratories
Classification: Benign. Last evaluated: 2023-10-06. Review status: criteria provided, single submitter. Criteria: ARUP Molecular Germline Variant Investigation Process 2024. Collection method: clinical testing. Allele origin: germline. Not counted in ClinVar's aggregate classification.

Genome Diagnostics Laboratory, The Hospital for Sick Children
Classification: Benign for Hereditary spastic paraplegia. Last evaluated: 2020-03-01. Review status: criteria provided, single submitter. Criteria: ACMG Guidelines, 2015. Collection method: clinical testing. Allele origin: germline. Affected: yes. Not counted in ClinVar's aggregate classification.

Wong Mito Lab, Molecular and Human Genetics, Baylor College of Medicine
Classification: Benign for Progressive sclerosing poliodystrophy. Last evaluated: 2018-10-01. Review status: criteria provided, single submitter. Criteria: ACMG Guidelines, 2015. Collection method: clinical testing. Allele origin: germline. Not counted in ClinVar's aggregate classification.
Comment: The NM_002693.2:c.1984G>A (NP_002684.1:p.Glu662Lys) [GRCH38: NC_000015.10:g.89324193C>T] variant in POLG gene is interpretated to be a Benign based on ACMG guidelines (PMID: 25741868). This variant meets the following evidence codes reported in the ACMG-guideline. BS1:The minor allele frequency of this allele is high for Mitochondrial DNA depletion syndrome 4A (Alpers type). BS2:Observation of the variant in controls is inconsistent with penetrance of Mitochondrial DNA depletion syndrome 4A (Alpers type). BP4:Computational evidence/predictors indicate no impact on the POLG structure, function, or protein-protein interaction. Based on the evidence criteria codes applied, the variant is suggested to be Benign.

Illumina Laboratory Services, Illumina
Classification: Benign for POLG-Related Spectrum Disorders. Last evaluated: 2018-01-12. Review status: criteria provided, single submitter. Criteria: ICSL Variant Classification Criteria 13 December 2019. Collection method: clinical testing. Allele origin: germline. Not counted in ClinVar's aggregate classification.
Comment: This variant was observed in the ICSL laboratory as part of a predisposition screen in an ostensibly healthy population. It had not been previously curated by ICSL or reported in the Human Gene Mutation Database (HGMD: prior to June 1st, 2018), and was therefore a candidate for classification through an automated scoring system. Utilizing variant allele frequency, disease prevalence and penetrance estimates, and inheritance mode, an automated score was calculated to assess if this variant is too frequent to cause the disease. Based on the score and internal cut-off values, a variant classified as benign is not then subjected to further curation. The score for this variant resulted in a classification of benign for this disease.

Ambry Genetics
Classification: Benign for Inborn genetic diseases. Last evaluated: 2016-05-11. Review status: criteria provided, single submitter. Criteria: Ambry Variant Classification Scheme 2023. Collection method: clinical testing. Allele origin: germline. Not counted in ClinVar's aggregate classification.

Center for Pediatric Genomic Medicine, Children's Mercy Hospital and Clinics
Classification: Benign. Last evaluated: 2015-05-29. Review status: criteria provided, single submitter. Criteria: ACMG Guidelines, 2015. Collection method: clinical testing. Allele origin: germline. Not counted in ClinVar's aggregate classification.

Eurofins Ntd Llc (ga)
Classification: Benign. Last evaluated: 2013-07-05. Review status: criteria provided, single submitter. Criteria: EGL Classification Definitions 2015. Collection method: clinical testing. Allele origin: germline. Observed: 1 variant allele, 1 heterozygote. Not counted in ClinVar's aggregate classification.

GeneDx
Classification: Benign. Last evaluated: 2013-05-28. Review status: criteria provided, single submitter. Criteria: GeneDx Variant Classification (06012015). Collection method: clinical testing. Allele origin: germline. Affected: yes. Not counted in ClinVar's aggregate classification.
Comment: This variant is considered likely benign or benign based on one or more of the following criteria: it is a conservative change, it occurs at a poorly conserved position in the protein, it is predicted to be benign by multiple in silico algorithms, and/or has population frequency not consistent with disease.

Breakthrough Genomics
Classification: Benign. Review status: criteria provided, single submitter. Criteria: ACMG Guidelines, 2015. Collection method: not provided. Allele origin: germline. Inheritance: Autosomal recessive inheritance. Affected: yes. Not counted in ClinVar's aggregate classification.

PreventionGenetics, part of Exact Sciences
Classification: Benign. Review status: criteria provided, single submitter. Criteria: ACMG Guidelines, 2015. Collection method: clinical testing. Allele origin: germline. Not counted in ClinVar's aggregate classification.

Mayo Clinic Laboratories, Mayo Clinic
Classification: Benign. Last evaluated: 2017-10-25. Review status: no assertion criteria provided. Collection method: clinical testing. Allele origin: unknown. Not counted in ClinVar's aggregate classification.

Clinical Genetics DNA and cytogenetics Diagnostics Lab, Erasmus MC, Erasmus Medical Center
Classification: Likely benign. Review status: no assertion criteria provided. Collection method: clinical testing. Allele origin: germline. Affected: yes. Study: VKGL Data-share Consensus. Not counted in ClinVar's aggregate classification.

Genome Diagnostics Laboratory, University Medical Center Utrecht
Classification: Likely benign. Review status: no assertion criteria provided. Collection method: clinical testing. Allele origin: germline. Affected: yes. Study: VKGL Data-share Consensus. Not counted in ClinVar's aggregate classification.

NM_002693.3(POLG):c.1984G>A (p.Glu662Lys)

Gene: POLG (DNA polymerase gamma, catalytic subunit; minus strand). Cytogenetic location: 15q26.1.
Variant type: single nucleotide variant.
Coding change: c.1984G>A on transcript NM_002693.3 (MANE Select); coding-DNA position 1984, G replaced by A.
Protein change: p.Glu662Lys; replaces glutamic acid 662 with lysine.
Molecular consequence: missense variant.
Genome position (GRCh38, 1-based): chr15:89,324,193, C>T on the plus strand (G>A on the coding strand, the complement: POLG is on the minus strand). VCF-style: chr15-89324193-C-T. GRCh37 (hg19) VCF-style: chr15-89867424-C-T.
Other names: p.E662K:GAA>AAA; NM_002693.2(POLG):c.1984G>A; c.1984G>A, p.Glu662Lys (NM_001126131.2); short protein forms E662K.
Identifiers: ClinVar variation 21310 (VCV000021310.44), dbSNP rs2307450, ClinGen allele CA285511.
Genomic context (GRCh38, chr15:89,324,193, plus strand): 5'-TGAGCAGGAACTCCTCCGCCAGGCCGGCCTCCTGGGGCATCAGCTGCTGCTTCCCCTGTT[C>T]GAGACAGTGCTTCCTGTACAGGGACTCGATGGCTCTGGGCAGAGAACAGTAGCAGCAGCA-3'
Protein context (NP_002684.1, residues 652-672): IESLYRKHCL[Glu662Lys]QGKQQLMPQE